The following is an entry in ClinVar:

ClinVar aggregate classification (germline): Pathogenic (1 of 4 stars; one submission).

Conditions:
Neurofibromatosis, type 1 (NF1). Also called: VON RECKLINGHAUSEN DISEASE; NEUROFIBROMATOSIS, TYPE I, SOMATIC; Peripheral type neurofibromatosis; Neurofibromatosis, type I. Identifiers: Orphanet 636, MedGen C0027831, MONDO:0018975, OMIM 162200. Disease mechanism: loss of function.

Submission:

Myriad Genetics, Inc.
Classification: Pathogenic for Neurofibromatosis, type 1. Last evaluated: 2026-05-26. Review status: criteria provided, single submitter. Criteria: Myriad Autosomal Dominant, Autosomal Recessive and X-Linked Classification Criteria (2023). Collection method: clinical testing. Allele origin: unknown.
Comment: This variant is considered pathogenic. This variant creates a frameshift predicted to result in premature protein truncation.

NM_001042492.3(NF1):c.6611_6612del (p.Thr2204fs)

Gene: NF1 (neurofibromin 1; plus strand). Cytogenetic location: 17q11.2.
Variant type: Deletion.
Coding change: c.6611_6612del on transcript NM_001042492.3 (MANE Select); coding-DNA positions 6611 to 6612, 2 bases deleted (CA; older notation c.6611_6612delCA).
Protein change: p.Thr2204fs; shifts the reading frame from threonine 2204.
Molecular consequence: frameshift variant.
Genome position (GRCh38, 1-based): chr17:31,337,551-31,337,552, CA deleted; deleting any 2 consecutive bases within chr17:31,337,550-31,337,552 gives the same sequence; the c. name uses the placement nearest the transcript's 3' end. VCF-style (leftmost placement, unchanged base first): chr17-31337549-AAC-A. GRCh37 (hg19) VCF-style: chr17-29664567-AAC-A.
Other names: c.6548_6549del, p.Thr2183fs (NM_000267.4); short protein forms T2183fs, T2204fs.
Identifiers: ClinVar variation 4876064 (VCV004876064.1).